The following is an entry in ClinVar:

NM_000051.4(ATM):c.4237-5T>C

Gene: ATM (ATM serine/threonine kinase; plus strand). Cytogenetic location: 11q22.3.
Variant type: single nucleotide variant.
Coding change: c.4237-5T>C on transcript NM_000051.4 (MANE Select); 5 bases into the intron before coding-DNA position 4237, T replaced by C.
Molecular consequence: intron variant.
Genome position (GRCh38, 1-based): chr11:108,289,597, T>C. VCF-style: chr11-108289597-T-C. GRCh37 (hg19) VCF-style: chr11-108160324-T-C.
Other names: c.4237-5T>C (NM_001351834.2).
Identifiers: ClinVar variation 3253962 (VCV003253962.1), dbSNP rs2082669054.
Genomic context (GRCh38, chr11:108,289,597, plus strand): 5'-AAGTGTATTTATTGTAGCCGAGTATCTAATTAAACAAGTTTTTACTAAATCTGTTTATTT[T>C]CTAGGATTCCTATCAGAAAATTCTTCTTGCCATATGTGAGCAAGCAGCTGAAACAAATAA-3'

ClinVar aggregate classification (germline): Likely benign (1 of 4 stars; one submission).

Conditions:
Familial cancer of breast. Also called: BREAST CANCER, FAMILIAL; Hereditary breast cancer; hereditary breast carcinoma. Identifiers: Orphanet 227535, MedGen C0346153, MONDO:0016419, OMIM 114480. Disease mechanism: loss of function.

Submission:

Myriad Genetics, Inc.
Classification: Likely benign for Familial cancer of breast. Last evaluated: 2024-05-17. Review status: criteria provided, single submitter. Criteria: Myriad Autosomal Dominant, Autosomal Recessive and X-Linked Classification Criteria (2023). Collection method: clinical testing. Allele origin: unknown.
Comment: This variant is considered likely benign. This variant is intronic and is not expected to impact mRNA splicing.